The following is an entry in ClinVar:

NM_015570.4(AUTS2):c.357G>A (p.Thr119=)

Gene: AUTS2 (activator of transcription and developmental regulator AUTS2; plus strand). Cytogenetic location: 7q11.22.
Variant type: single nucleotide variant.
Coding change: c.357G>A on transcript NM_015570.4 (MANE Select); coding-DNA position 357, G replaced by A.
Protein change: p.Thr119=; no amino-acid change (threonine 119 retained).
Molecular consequence: synonymous variant.
Genome position (GRCh38, 1-based): chr7:69,899,333, G>A. VCF-style: chr7-69899333-G-A. GRCh37 (hg19) VCF-style: chr7-69364319-G-A.
Other names: c.357G>A, p.Thr119= (NM_001127231.3, NM_001127232.3).
Identifiers: ClinVar variation 789010 (VCV000789010.13), dbSNP rs147484499, ClinGen allele CA4280289.

ClinVar aggregate classification (germline): Likely benign. Review status: criteria provided, multiple submitters, no conflicts (2 of 4 stars). 2 submissions from 2 submitters: Likely benign (2). Last evaluated 2025-11-01.

Allele frequency attached by ClinVar (database versions not stated): ExAC 0.00001; gnomAD exomes 0.00002; TOPMed 0.00004; ESP Exome Variant Server 0.00008.
gnomAD v4.1: 15 of 1,613,940 alleles (0.00093%); highest among the groups gnomAD compares: African/African-American, 0.0053%; no homozygotes.

Submissions (2):

CeGaT Center for Human Genetics Tuebingen
Classification: Likely benign. Last evaluated: 2025-11-01. Review status: criteria provided, single submitter. Criteria: CeGaT Center For Human Genetics Tuebingen Variant Classification Criteria Version 2. Collection method: clinical testing. Allele origin: germline. Affected: yes. Observed: 1 variant allele.
Comment: AUTS2: BP4, BP7

Labcorp Genetics (formerly Invitae), Labcorp
Classification: Likely benign. Last evaluated: 2023-12-11. Review status: criteria provided, single submitter. Criteria: Invitae Variant Classification Sherloc (09022015). Collection method: clinical testing. Allele origin: germline.